The following is an entry in ClinVar:

ClinVar aggregate classification (germline): Benign/Likely benign. Review status: criteria provided, multiple submitters, no conflicts (2 of 4 stars). 2 submissions from 2 submitters: Benign (1); Likely benign (1). Last evaluated 2024-10-11.

Conditions:
Hereditary diffuse gastric adenocarcinoma (HDGC). Also called: DIFFUSE GASTRIC AND LOBULAR BREAST CANCER SYNDROME. Identifiers: Orphanet 26106, MedGen C1708349, MONDO:0007648, OMIM 137215.

Submissions (2):

Myriad Genetics, Inc.
Classification: Benign for Hereditary diffuse gastric adenocarcinoma. Last evaluated: 2024-10-11. Review status: criteria provided, single submitter. Criteria: Myriad Autosomal Dominant, Autosomal Recessive and X-Linked Classification Criteria (2023). Collection method: clinical testing. Allele origin: unknown.
Comment: This variant is considered benign. This variant is a silent/synonymous amino acid change and it is not expected to impact splicing.

Labcorp Genetics (formerly Invitae), Labcorp
Classification: Likely benign. Last evaluated: 2024-06-30. Review status: criteria provided, single submitter. Criteria: Invitae Variant Classification Sherloc (09022015). Collection method: clinical testing. Allele origin: germline.

NM_001903.5(CTNNA1):c.1644G>A (p.Arg548=)

Gene: CTNNA1 (catenin alpha 1; plus strand). Cytogenetic location: 5q31.2.
Variant type: single nucleotide variant.
Coding change: c.1644G>A on transcript NM_001903.5 (MANE Select); coding-DNA position 1644, G replaced by A.
Protein change: p.Arg548=; no amino-acid change (arginine 548 retained).
Molecular consequence: synonymous variant.
Genome position (GRCh38, 1-based): chr5:138,924,607, G>A. VCF-style: chr5-138924607-G-A. GRCh37 (hg19) VCF-style: chr5-138260296-G-A.
Other names: c.1644G>A, p.Arg548= (NM_001290307.3, NM_001323982.2, NM_001323983.1 and 2 more transcripts); c.1335G>A, p.Arg445= (NM_001290309.3); c.1275G>A, p.Arg425= (NM_001290310.3); c.534G>A, p.Arg178= (NM_001290312.1, NM_001323987.1, NM_001323988.1 and 17 more transcripts); c.1551G>A, p.Arg517= (NM_001323986.2); c.195G>A, p.Arg65= (NM_001324006.1, NM_001324007.1, NM_001324008.1 and 2 more transcripts); c.441G>A, p.Arg147= (NM_001324011.1); c.291G>A, p.Arg97= (NM_001324012.1, NM_001324013.1).
Identifiers: ClinVar variation 2797913 (VCV002797913.4), dbSNP rs2533710839, ClinGen allele CA446596935.
Genomic context (GRCh38, chr5:138,924,607, plus strand): 5'-TGCTCTCCAAGAGAAGGATGTGGATGGCCTGGACCGCACAGCTGGTGCAATTCGAGGCCG[G>A]GCAGCCCGGGTCATTCACGTAGTCACCTCAGAGATGGACAACTATGAGCCAGGAGTCTAC-3'
Protein context (NP_001894.2, residues 538-558): LDRTAGAIRG[Arg548=]AARVIHVVTS